The following is an entry in ClinVar:

ClinVar aggregate classification (germline): Conflicting classifications of pathogenicity. Review status: criteria provided, conflicting classifications (1 of 4 stars). 4 submissions from 4 submitters: Uncertain significance (1); Likely benign (2). 1 of the submissions does not count toward it. Last evaluated 2025-06-16.

Conditions:
Inborn genetic diseases. Identifiers: MedGen C0950123, MeSH D030342.
AP3D1-related disorder. Also called: AP3D1-related condition.

Allele frequency attached by ClinVar (database versions not stated): gnomAD exomes 0.00004 and 0.00013; gnomAD 0.00005 and 0.00006; TOPMed 0.00006; ExAC 0.00015; 1000 Genomes Project 0.00020; 1000 Genomes Project 30x 0.00047.
gnomAD v4.1: 70 of 1,608,538 alleles (0.0044%); highest among the groups gnomAD compares: East Asian, 0.06%; no homozygotes.

Submissions (4):

Labcorp Genetics (formerly Invitae), Labcorp
Classification: Uncertain significance. Last evaluated: 2025-06-16. Review status: criteria provided, single submitter. Criteria: Invitae Variant Classification Sherloc (09022015). Collection method: clinical testing. Allele origin: germline.
Comment: This sequence change replaces valine, which is neutral and non-polar, with isoleucine, which is neutral and non-polar, at codon 644 of the AP3D1 protein (p.Val644Ile). This variant is present in population databases (rs534880813, gnomAD 0.2%). This variant has not been reported in the literature in individuals affected with AP3D1-related conditions. ClinVar contains an entry for this variant (Variation ID: 1428264). An algorithm developed to predict the effect of missense changes on protein structure and function outputs the following: PolyPhen-2: "Benign". The isoleucine amino acid residue is found in multiple mammalian species, which suggests that this missense change does not adversely affect protein function. In summary, the available evidence is currently insufficient to determine the role of this variant in disease. Therefore, it has been classified as a Variant of Uncertain Significance.

Blueprint Genetics
Classification: Likely benign. Last evaluated: 2023-05-23. Review status: criteria provided, single submitter. Criteria: ACMG Guidelines, 2015. Collection method: clinical testing. Allele origin: germline.

Ambry Genetics
Classification: Likely benign for Inborn genetic diseases. Last evaluated: 2021-11-10. Review status: criteria provided, single submitter. Criteria: Ambry Variant Classification Scheme 2023. Collection method: clinical testing. Allele origin: germline.

PreventionGenetics, part of Exact Sciences
Classification: Likely benign for AP3D1-related condition. Last evaluated: 2023-12-23. Review status: no assertion criteria provided. Collection method: clinical testing. Allele origin: germline. Not counted in ClinVar's aggregate classification.
Comment: This variant is classified as likely benign based on ACMG/AMP sequence variant interpretation guidelines (Richards et al. 2015 PMID: 25741868, with internal and published modifications).

NM_001261826.3(AP3D1):c.1930G>A (p.Val644Ile)

Gene: AP3D1 (adaptor related protein complex 3 subunit delta 1; minus strand). Cytogenetic location: 19p13.3.
Variant type: single nucleotide variant.
Coding change: c.1930G>A on transcript NM_001261826.3 (MANE Select); coding-DNA position 1930, G replaced by A.
Protein change: p.Val644Ile; replaces valine 644 with isoleucine.
Molecular consequence: missense variant.
Genome position (GRCh38, 1-based): chr19:2,116,676, C>T on the plus strand (G>A on the coding strand, the complement: AP3D1 is on the minus strand). VCF-style: chr19-2116676-C-T. GRCh37 (hg19) VCF-style: chr19-2116675-C-T.
Other names: c.1930G>A (NM_001261826.1, NM_003938.5); c.1930G>A, p.Val644Ile (NM_001374799.1, NM_003938.8); short protein forms V644I.
Identifiers: ClinVar variation 1428264 (VCV001428264.12), dbSNP rs534880813, ClinGen allele CA9059120.